The following is an entry in ClinVar:

NM_004086.3(COCH):c.293G>A (p.Arg98Gln)

Genes: COCH-AS1 (COCH antisense RNA 1; minus strand), COCH (cochlin; plus strand). Cytogenetic location: 14q12.
Variant type: single nucleotide variant.
Coding change: c.293G>A on transcript NM_004086.3 (MANE Select); coding-DNA position 293, G replaced by A.
Protein change: p.Arg98Gln; replaces arginine 98 with glutamine.
Molecular consequence: missense variant.
Genome position (GRCh38, 1-based): chr14:30,878,864, G>A. VCF-style: chr14-30878864-G-A. GRCh37 (hg19) VCF-style: chr14-31348070-G-A.
Other names: c.488G>A, p.Arg163Gln (NM_001347720.2); c.293G>A, p.Arg98Gln (NM_001135058.2); short protein forms R98Q, R163Q.
Identifiers: ClinVar variation 883529 (VCV000883529.10), dbSNP rs764704351, ClinGen allele CA7142994.
Genomic context (GRCh38, chr14:30,878,864, plus strand): 5'-GTTACAGGGGAGTAATCAGCAACTCAGGGGGACCTGTACGAGTCTATAGCCTACCTGGTC[G>A]AGAAAACTATTCCTCAGTAGATGCCAATGGCATCCAGTCTCAAATGCTTTCTAGATGGTC-3'
Protein context (NP_004077.1, residues 88-108): GPVRVYSLPG[Arg98Gln]ENYSSVDANG

ClinVar aggregate classification (germline): Uncertain significance. Review status: criteria provided, multiple submitters, no conflicts (2 of 4 stars). 3 submissions from 3 submitters: Uncertain significance (3). Last evaluated 2024-02-04.

Conditions:
Autosomal dominant nonsyndromic hearing loss 9. Identifiers: Orphanet 90635, MedGen C1832425, MONDO:0011058, OMIM 601369.
Inborn genetic diseases. Identifiers: MedGen C0950123, MeSH D030342.

Allele frequency attached by ClinVar (database versions not stated): gnomAD 0.00002 and 0.00003; ExAC 0.00003; TOPMed 0.00005; gnomAD exomes 0.00006.
gnomAD v4.1: 89 of 1,614,168 alleles (0.0055%); highest among the groups gnomAD compares: South Asian, 0.022%; no homozygotes.

Submissions (3):

Labcorp Genetics (formerly Invitae), Labcorp
Classification: Uncertain significance. Last evaluated: 2024-02-04. Review status: criteria provided, single submitter. Criteria: Invitae Variant Classification Sherloc (09022015). Collection method: clinical testing. Allele origin: germline.
Comment: This sequence change replaces arginine, which is basic and polar, with glutamine, which is neutral and polar, at codon 98 of the COCH protein (p.Arg98Gln). This variant is present in population databases (rs764704351, gnomAD 0.02%). This variant has not been reported in the literature in individuals affected with COCH-related conditions. ClinVar contains an entry for this variant (Variation ID: 883529). An algorithm developed to predict the effect of missense changes on protein structure and function (PolyPhen-2) suggests that this variant is likely to be tolerated. In summary, the available evidence is currently insufficient to determine the role of this variant in disease. Therefore, it has been classified as a Variant of Uncertain Significance.

Ambry Genetics
Classification: Uncertain significance for Inborn genetic diseases. Last evaluated: 2021-08-23. Review status: criteria provided, single submitter. Criteria: Ambry Variant Classification Scheme 2023. Collection method: clinical testing. Allele origin: germline.

Illumina Laboratory Services, Illumina
Classification: Uncertain significance for Autosomal dominant nonsyndromic hearing loss 9. Last evaluated: 2017-04-27. Review status: criteria provided, single submitter. Criteria: ICSL Variant Classification Criteria 13 December 2019. Collection method: clinical testing. Allele origin: germline.